The following is an entry in ClinVar:

NM_182961.4(SYNE1):c.4544C>T (p.Thr1515Ile)

Gene: SYNE1 (spectrin repeat containing nuclear envelope protein 1; minus strand). Cytogenetic location: 6q25.2.
Variant type: single nucleotide variant.
Coding change: c.4544C>T on transcript NM_182961.4 (MANE Select); coding-DNA position 4544, C replaced by T.
Protein change: p.Thr1515Ile; replaces threonine 1515 with isoleucine.
Molecular consequence: missense variant.
Genome position (GRCh38, 1-based): chr6:152,430,627, G>A on the plus strand (C>T on the coding strand, the complement: SYNE1 is on the minus strand). VCF-style: chr6-152430627-G-A. GRCh37 (hg19) VCF-style: chr6-152751762-G-A.
Other names: c.4565C>T, p.Thr1522Ile (NM_033071.5); c.4565C>T (NM_033071.3); short protein forms T1515I, T1522I.
Identifiers: ClinVar variation 1465068 (VCV001465068.11), dbSNP rs148785548, ClinGen allele CA4058529.

ClinVar aggregate classification (germline): Uncertain significance. Review status: criteria provided, multiple submitters, no conflicts (2 of 4 stars). 4 submissions from 4 submitters: Uncertain significance (4). Last evaluated 2025-01-22.

Conditions:
Autosomal recessive ataxia, Beauce type. Also called: SYNE1-Related Autosomal Recessive Cerebellar Ataxia; Spinocerebellar ataxia, autosomal recessive 8; ATAXIA, RECESSIVE, OF BEAUCE; SYNE1 Deficiency. Identifiers: Orphanet 88644, MedGen C1853116, MONDO:0012549, OMIM 610743.
Emery-Dreifuss muscular dystrophy 4, autosomal dominant (EDMD4). Also called: EMERY-DREIFUSS MUSCULAR DYSTROPHY 4 WITH VARIABLE FEATURES. Identifiers: Orphanet 261, MedGen C2751807, MONDO:0013071, OMIM 612998.

Allele frequency attached by ClinVar (database versions not stated): ExAC 0.00003; gnomAD 0.00009; TOPMed 0.00012; gnomAD exomes 0.00002; ESP Exome Variant Server 0.00023.
gnomAD v4.1: 20 of 1,614,004 alleles (0.0012%); highest among the groups gnomAD compares: African/African-American, 0.015%; no homozygotes.

Submissions (4):

GeneDx
Classification: Uncertain significance. Last evaluated: 2025-01-22. Review status: criteria provided, single submitter. Criteria: GeneDx Variant Classification Process June 2021. Collection method: clinical testing. Allele origin: germline. Affected: yes.
Comment: In silico analysis supports that this missense variant has a deleterious effect on protein structure/function; Has not been previously published as pathogenic or benign to our knowledge

Revvity Omics, Revvity
Classification: Uncertain significance. Last evaluated: 2024-11-07. Review status: criteria provided, single submitter. Criteria: ACMG Guidelines, 2015. Collection method: clinical testing. Allele origin: germline.

Labcorp Genetics (formerly Invitae), Labcorp
Classification: Uncertain significance for Emery-Dreifuss muscular dystrophy 4, autosomal dominant; Autosomal recessive ataxia, Beauce type. Last evaluated: 2024-10-28. Review status: criteria provided, single submitter. Criteria: Invitae Variant Classification Sherloc (09022015). Collection method: clinical testing. Allele origin: germline.
Comment: This sequence change replaces threonine, which is neutral and polar, with isoleucine, which is neutral and non-polar, at codon 1522 of the SYNE1 protein (p.Thr1522Ile). This variant is present in population databases (rs148785548, gnomAD 0.02%). This variant has not been reported in the literature in individuals affected with SYNE1-related conditions. ClinVar contains an entry for this variant (Variation ID: 1465068). An algorithm developed to predict the effect of missense changes on protein structure and function (PolyPhen-2) suggests that this variant¬¨‚Ä†is likely to be tolerated. In summary, the available evidence is currently insufficient to determine the role of this variant in disease. Therefore, it has been classified as a Variant of Uncertain Significance.

Athena Diagnostics
Classification: Uncertain significance. Last evaluated: 2022-05-04. Review status: criteria provided, single submitter. Criteria: Athena Diagnostics Criteria. Collection method: clinical testing. Allele origin: unknown.